The following is an entry in ClinVar:

NM_001244008.2(KIF1A):c.2162G>A (p.Arg721Gln)

Gene: KIF1A (kinesin family member 1A; minus strand). Cytogenetic location: 2q37.3.
Variant type: single nucleotide variant.
Coding change: c.2162G>A on transcript NM_001244008.2 (MANE Select); coding-DNA position 2162, G replaced by A.
Protein change: p.Arg721Gln; replaces arginine 721 with glutamine.
Molecular consequence: missense variant.
Genome position (GRCh38, 1-based): chr2:240,761,332, C>T on the plus strand (G>A on the coding strand, the complement: KIF1A is on the minus strand). VCF-style: chr2-240761332-C-T. GRCh37 (hg19) VCF-style: chr2-241700749-C-T.
Other names: c.2162G>A, p.Arg721Gln (NM_001320705.2, NM_001330289.2, NM_001379638.1); c.2237G>A, p.Arg746Gln (NM_001330290.2, NM_001379631.1, NM_001379634.1 and 2 more transcripts); c.2135G>A, p.Arg712Gln (NM_001379632.1, NM_001379633.1, NM_001379636.1 and 10 more transcripts); c.2210G>A, p.Arg737Gln (NM_001379637.1, NM_001379648.1); short protein forms R712Q, R721Q, R737Q, R746Q.
Identifiers: ClinVar variation 1014105 (VCV001014105.10), dbSNP rs1159860840, ClinGen allele CA351325540.

ClinVar aggregate classification (germline): Uncertain significance. Review status: criteria provided, multiple submitters, no conflicts (2 of 4 stars). 2 submissions from 2 submitters: Uncertain significance (2). Last evaluated 2024-06-24.

Conditions:
Neuropathy, hereditary sensory, type 2C. Also called: Hereditary sensory and autonomic neuropathy type IIC; KIF1A-Related HSAN2 (HSAN2C). Identifiers: Orphanet 970, MedGen C3280168, MONDO:0013634, OMIM 614213.
Intellectual disability, autosomal dominant 9 (NESCAVS). Also called: KIF1A-Related Neurodevelopmental Disorder; NESCAV SYNDROME. Identifiers: Orphanet 662367, MedGen C5393830, MONDO:0013656, OMIM 614255.
Hereditary spastic paraplegia 30. Identifiers: Orphanet 101010, MedGen C5235139, MONDO:0012476.

Allele frequency attached by ClinVar (database versions not stated): gnomAD exomes below 0.00001.
gnomAD v4.1: 15 of 1,613,530 alleles (0.00093%); highest among the groups gnomAD compares: Non-Finnish European, 0.001%; no homozygotes.

Submissions (2):

Labcorp Genetics (formerly Invitae), Labcorp
Classification: Uncertain significance for Hereditary spastic paraplegia 30; Neuropathy, hereditary sensory, type 2C; Intellectual disability, autosomal dominant 9. Last evaluated: 2024-06-24. Review status: criteria provided, single submitter. Criteria: Invitae Variant Classification Sherloc (09022015). Collection method: clinical testing. Allele origin: germline.
Comment: This sequence change replaces arginine, which is basic and polar, with glutamine, which is neutral and polar, at codon 712 of the KIF1A protein (p.Arg712Gln). This variant is present in population databases (no rsID available, gnomAD 0.0009%). This variant has not been reported in the literature in individuals affected with KIF1A-related conditions. ClinVar contains an entry for this variant (Variation ID: 1014105). Advanced modeling of protein sequence and biophysical properties (such as structural, functional, and spatial information, amino acid conservation, physicochemical variation, residue mobility, and thermodynamic stability) has been performed at Invitae for this missense variant, however the output from this modeling did not meet the statistical confidence thresholds required to predict the impact of this variant on KIF1A protein function. In summary, the available evidence is currently insufficient to determine the role of this variant in disease. Therefore, it has been classified as a Variant of Uncertain Significance.

GeneDx
Classification: Uncertain significance. Last evaluated: 2019-04-16. Review status: criteria provided, single submitter. Criteria: GeneDx Variant Classification Process June 2021. Collection method: clinical testing. Allele origin: germline. Affected: yes.
Comment: In silico analysis, which includes protein predictors and evolutionary conservation, supports a deleterious effect; Has not been previously published as pathogenic or benign to our knowledge